The following is an entry in ClinVar:

ClinVar aggregate classification (germline): Conflicting classifications of pathogenicity. Review status: criteria provided, conflicting classifications (1 of 4 stars). 6 submissions from 6 submitters: Uncertain significance (3); Likely benign (3). Last evaluated 2026-01-27.

Conditions:
Neuromuscular disease caused by qualitative or quantitative defects of dysferlin. Also called: Dysferlinopathy; Qualitative or quantitative defects of dysferlin. Identifiers: Orphanet 207073, MedGen C2931687, MONDO:0016145.

Allele frequency attached by ClinVar (database versions not stated): gnomAD 0.00134; 1000 Genomes Project 0.00160; TOPMed 0.00170; 1000 Genomes Project 30x 0.00172; ESP Exome Variant Server 0.00208.
gnomAD v4.1: 474 of 1,614,202 alleles (0.029%); highest among the groups gnomAD compares: African/African-American, 0.59%; 2 homozygotes.

Submissions (6):

Labcorp Genetics (formerly Invitae), Labcorp
Classification: Likely benign for Neuromuscular disease caused by qualitative or quantitative defects of dysferlin. Last evaluated: 2026-01-27. Review status: criteria provided, single submitter. Criteria: Invitae Variant Classification Sherloc (09022015). Collection method: clinical testing. Allele origin: germline.

Athena Diagnostics
Classification: Uncertain significance. Last evaluated: 2025-03-13. Review status: criteria provided, single submitter. Criteria: Athena Diagnostics Criteria. Collection method: clinical testing. Allele origin: unknown.
Comment: Available data are insufficient to determine the clinical significance of the variant at this time. The frequency of this variant in the general population is higher than would generally be expected for pathogenic variants in this gene. Polyphen and MutationTaster yielded discordant predictions regarding whether this amino acid change is damaging to the protein.

Blueprint Genetics
Classification: Uncertain significance. Last evaluated: 2024-10-22. Review status: criteria provided, single submitter. Criteria: ACMG Guidelines, 2015. Collection method: clinical testing. Allele origin: germline.

GeneDx
Classification: Likely benign. Last evaluated: 2020-10-22. Review status: criteria provided, single submitter. Criteria: GeneDx Variant Classification Process June 2021. Collection method: clinical testing. Allele origin: germline. Affected: yes.
Comment: This variant is associated with the following publications: (PMID: 30564623)

Illumina Laboratory Services, Illumina
Classification: Uncertain significance for Qualitative or quantitative defects of dysferlin. Last evaluated: 2018-01-13. Review status: criteria provided, single submitter. Criteria: ICSL Variant Classification Criteria 13 December 2019. Collection method: clinical testing. Allele origin: germline.

Eurofins Ntd Llc (ga)
Classification: Likely benign. Last evaluated: 2017-04-05. Review status: criteria provided, single submitter. Criteria: EGL Classification Definitions 2015. Collection method: clinical testing. Allele origin: germline. Observed: 2 variant alleles, 2 heterozygotes.

Literature cited by the submitters: PubMed 30564623 (cited by Athena Diagnostics).

NM_001130987.2(DYSF):c.205G>C (p.Val69Leu)

Gene: DYSF (dysferlin; plus strand). Cytogenetic location: 2p13.2.
Variant type: single nucleotide variant.
Coding change: c.205G>C on transcript NM_001130987.2 (MANE Select); coding-DNA position 205, G replaced by C.
Protein change: p.Val69Leu; replaces valine 69 with leucine.
Molecular consequence: missense variant.
Genome position (GRCh38, 1-based): chr2:71,481,936, G>C. VCF-style: chr2-71481936-G-C. GRCh37 (hg19) VCF-style: chr2-71709066-G-C.
Other names: c.205G>C, p.Val69Leu (NM_001130455.2, NM_001130982.2, NM_001130983.2 and 3 more transcripts); c.202G>C, p.Val68Leu (NM_001130976.2, NM_001130977.2, NM_001130978.2 and 4 more transcripts); short protein forms V68L, V69L.
Identifiers: ClinVar variation 284816 (VCV000284816.25), dbSNP rs114986640, ClinGen allele CA1705253.
Genomic context (GRCh38, chr2:71,481,936, plus strand): 5'-CAGGGATTTGAATGGGACCTCAAGGGCATCCCCCTGGACCAGGGCTCTGAGCTTCATGTG[G>C]TGGTCAAAGACCATGAGACGATGGGGAGGAACAGGTAAGGTGGCCAGAGGGGGGTGCTCC-3'
Protein context (NP_001124459.1, residues 59-79): PLDQGSELHV[Val69Leu]VKDHETMGRN